The following is an entry in ClinVar:

NM_006393.3(NEBL):c.872A>G (p.His291Arg)

Gene: NEBL (nebulette; minus strand). Cytogenetic location: 10p12.31.
Variant type: single nucleotide variant.
Coding change: c.872A>G on transcript NM_006393.3 (MANE Select); coding-DNA position 872, A replaced by G.
Protein change: p.His291Arg; replaces histidine 291 with arginine.
Molecular consequence: missense variant. On other transcripts: intron variant (9).
Genome position (GRCh38, 1-based): chr10:20,858,271, T>C on the plus strand (A>G on the coding strand, the complement: NEBL is on the minus strand). VCF-style: chr10-20858271-T-C. GRCh37 (hg19) VCF-style: chr10-21147200-T-C.
Other names: c.250-45331A>G (NM_001377326.1, NM_001377327.1, NM_001377328.1); c.358-45331A>G (NM_213569.2, NM_001173484.2, NM_001377322.1); c.301-45331A>G (NM_001377324.1); c.292-45331A>G (NM_001377325.1); c.310-45331A>G (NM_001377323.1); short protein forms H291R.
Identifiers: ClinVar variation 412261 (VCV000412261.13), dbSNP rs147853594, ClinGen allele CA5433073.

ClinVar aggregate classification (germline): Uncertain significance. Review status: criteria provided, multiple submitters, no conflicts (2 of 4 stars). 3 submissions from 3 submitters: Uncertain significance (3). Last evaluated 2025-11-18.

Conditions:
Primary dilated cardiomyopathy (DCM). Also called: Dilated Cardiomyopathy. Identifiers: Orphanet 217604, MedGen C0007193, MeSH D002311, MONDO:0005021, HP:0001644. Inheritance: Various modes of inheritance.

Allele frequency attached by ClinVar (database versions not stated): ExAC 0.00002; ESP Exome Variant Server 0.00008; gnomAD exomes 0.00001 and 0.00002; gnomAD 0.00003 and 0.00004; TOPMed 0.00003.
gnomAD v4.1: 23 of 1,610,894 alleles (0.0014%); highest among the groups gnomAD compares: Admixed American, 0.0033%; no homozygotes.

Submissions (3):

Labcorp Genetics (formerly Invitae), Labcorp
Classification: Uncertain significance for Primary dilated cardiomyopathy. Last evaluated: 2025-11-18. Review status: criteria provided, single submitter. Criteria: Invitae Variant Classification Sherloc (09022015). Collection method: clinical testing. Allele origin: germline.
Comment: This sequence change replaces histidine, which is basic and polar, with arginine, which is basic and polar, at codon 291 of the NEBL protein (p.His291Arg). This variant is present in population databases (rs147853594, gnomAD 0.008%). This variant has not been reported in the literature in individuals affected with NEBL-related conditions. ClinVar contains an entry for this variant (Variation ID: 412261). An algorithm developed to predict the effect of missense changes on protein structure and function (PolyPhen-2) suggests that this variant is likely to be disruptive. In summary, the available evidence is currently insufficient to determine the role of this variant in disease. Therefore, it has been classified as a Variant of Uncertain Significance.

Ambry Genetics
Classification: Uncertain significance. Last evaluated: 2025-04-16. Review status: criteria provided, single submitter. Criteria: Ambry Variant Classification Scheme 2023. Collection method: clinical testing. Allele origin: germline.

Stanford Center for Inherited Cardiovascular Disease, Stanford University
Classification: Uncertain significance. Last evaluated: 2016-11-16. Review status: criteria provided, single submitter. Criteria: ACMG Guidelines, 2015. Collection method: provider interpretation. Allele origin: germline.